The following is an entry in ClinVar:

ClinVar aggregate classification (germline): Conflicting classifications of pathogenicity. Review status: criteria provided, conflicting classifications (1 of 4 stars). 8 submissions from 7 submitters: Uncertain significance (1); Likely benign (7). Last evaluated 2025-09-16.

Conditions:
Cardiomyopathy (CMYO). Also called: Cardiomyopathies. Identifiers: Orphanet 167848, MedGen C0878544, MONDO:0004994, HP:0001638. Inheritance: Various modes of inheritance.
Catecholaminergic polymorphic ventricular tachycardia 1. Also called: VENTRICULAR TACHYCARDIA, CATECHOLAMINERGIC POLYMORPHIC, 1, WITH OR WITHOUT ATRIAL DYSFUNCTION AND/OR DILATED CARDIOMYOPATHY; RYR2-Related Catecholaminergic Polymorphic Ventricular Tachycardia; VENTRICULAR TACHYCARDIA, STRESS-INDUCED POLYMORPHIC 1. Identifiers: Orphanet 3286, MedGen C1631597, MONDO:0011484, OMIM 604772.
Cardiovascular phenotype. Identifiers: MedGen CN230736.
Catecholaminergic polymorphic ventricular tachycardia (CVPT). Also called: Catecholamine-induced polymorphic ventricular tachycardia. Identifiers: Orphanet 3286, MedGen C5574922, MONDO:0017990.
Arrhythmogenic right ventricular dysplasia 2. Identifiers: MedGen C1832931.

Allele frequency attached by ClinVar (database versions not stated): TOPMed below 0.00001; gnomAD 0.00001; gnomAD exomes 0.00001; ExAC 0.00002; 1000 Genomes Project 0.00020; 1000 Genomes Project 30x 0.00031.
gnomAD v4.1: 10 of 1,611,346 alleles (0.00062%); highest among the groups gnomAD compares: Admixed American, 0.015%; no homozygotes.

Submissions (8):

Labcorp Genetics (formerly Invitae), Labcorp
Classification: Likely benign for Catecholaminergic polymorphic ventricular tachycardia 1. Last evaluated: 2025-09-16. Review status: criteria provided, single submitter. Criteria: Invitae Variant Classification Sherloc (09022015). Collection method: clinical testing. Allele origin: germline.

All of Us Research Program, National Institutes of Health
Classification: Likely benign for Catecholaminergic polymorphic ventricular tachycardia. Last evaluated: 2024-09-23. Review status: criteria provided, single submitter. Criteria: ACMG Guidelines, 2015. Collection method: clinical testing. Allele origin: germline. Inheritance: Autosomal dominant inheritance. Observed: 1 variant allele, 1 heterozygote.
Comment: This study involves interpretation of variants in research participants for the purpose of population health screening. Participant phenotype was not available at the time of variant classification. Additional details can be found in publication PMID: 35346344, PMCID: PMC8962531

Women's Health and Genetics/Laboratory Corporation of America, LabCorp
Classification: Likely benign. Last evaluated: 2023-08-19. Review status: criteria provided, single submitter. Criteria: LabCorp Variant Classification Summary - May 2015. Collection method: clinical testing. Allele origin: germline.

Blueprint Genetics
Classification: Likely benign. Last evaluated: 2023-04-18. Review status: criteria provided, single submitter. Criteria: ACMG Guidelines, 2015. Collection method: clinical testing. Allele origin: germline.

Ambry Genetics
Classification: Likely benign for Cardiovascular phenotype. Last evaluated: 2021-04-05. Review status: criteria provided, single submitter. Criteria: Ambry Variant Classification Scheme 2023. Collection method: clinical testing. Allele origin: germline.

Color Diagnostics, LLC DBA Color Health
Classification: Likely benign for Cardiomyopathy. Last evaluated: 2020-01-28. Review status: criteria provided, single submitter. Criteria: ACMG Guidelines, 2015. Collection method: clinical testing. Allele origin: germline.

Illumina Laboratory Services, Illumina
Classification: Likely benign for Catecholaminergic polymorphic ventricular tachycardia 1. Last evaluated: 2018-01-13. Review status: criteria provided, single submitter. Criteria: ICSL Variant Classification Criteria 13 December 2019. Collection method: clinical testing. Allele origin: germline.
Comment: This variant was observed in the ICSL laboratory as part of a predisposition screen in an ostensibly healthy population. It had not been previously curated by ICSL or reported in the Human Gene Mutation Database (HGMD: prior to June 1st, 2018), and was therefore a candidate for classification through an automated scoring system. Utilizing variant allele frequency, disease prevalence and penetrance estimates, and inheritance mode, an automated score was calculated to assess if this variant is too frequent to cause the disease. Based on the score and internal cut-off values, a variant classified as likely benign is not then subjected to further curation. The score for this variant resulted in a classification of likely benign for this disease.

Illumina Laboratory Services, Illumina
Classification: Uncertain significance for Catecholaminergic polymorphic ventricular tachycardia 1. Last evaluated: 2018-01-13. Review status: criteria provided, single submitter. Criteria: ICSL Variant Classification Criteria 13 December 2019. Collection method: clinical testing. Allele origin: germline.

NM_001035.3(RYR2):c.9927A>G (p.Lys3309=)

Gene: RYR2 (ryanodine receptor 2; plus strand). Cytogenetic location: 1q43.
Variant type: single nucleotide variant.
Coding change: c.9927A>G on transcript NM_001035.3 (MANE Select); coding-DNA position 9927, A replaced by G.
Protein change: p.Lys3309=; no amino-acid change (lysine 3309 retained).
Molecular consequence: synonymous variant.
Genome position (GRCh38, 1-based): chr1:237,708,883, A>G. VCF-style: chr1-237708883-A-G. GRCh37 (hg19) VCF-style: chr1-237872183-A-G.
Other names: c.9927A>G, p.Lys3309= (LRG_402t1).
Identifiers: ClinVar variation 296744 (VCV000296744.19), dbSNP rs184937795, ClinGen allele CA087982.